The following is an entry in ClinVar:

ClinVar aggregate classification (germline): Pathogenic (1 of 4 stars; one submission).

Conditions:
Muscular dystrophy-dystroglycanopathy (congenital with impaired intellectual development), type B, 1. Also called: MUSCULAR DYSTROPHY, CONGENITAL, POMT1-RELATED; Muscular dystrophy-dystroglycanopathy (congenital with intellectual disability), type B1. Identifiers: MedGen C5436962, MONDO:0013159, OMIM 613155.
Walker-Warburg congenital muscular dystrophy. Also called: Muscular dystrophy-dystroglycanopathy, type A; Walker-Warburg syndrome. Identifiers: Orphanet 899, MedGen C0265221, MONDO:0000171.
Autosomal recessive limb-girdle muscular dystrophy type 2K. Also called: MUSCULAR DYSTROPHY-DYSTROGLYCANOPATHY (LIMB-GIRDLE), TYPE C, 1; MUSCULAR DYSTROPHY, LIMB-GIRDLE, TYPE 2K. Identifiers: Orphanet 86812, MedGen C1836373, MONDO:0012248, OMIM 609308.

Submission:

Labcorp Genetics (formerly Invitae), Labcorp
Classification: Pathogenic for Muscular dystrophy-dystroglycanopathy (congenital with impaired intellectual development), type B, 1; Walker-Warburg congenital muscular dystrophy; Autosomal recessive limb-girdle muscular dystrophy type 2K. Last evaluated: 2024-07-01. Review status: criteria provided, single submitter. Criteria: Invitae Variant Classification Sherloc (09022015). Collection method: clinical testing. Allele origin: germline.
Comment: This sequence change creates a premature translational stop signal (p.Ser463*) in the POMT1 gene. It is expected to result in an absent or disrupted protein product. Loss-of-function variants in POMT1 are known to be pathogenic (PMID: 12369018, 15637732, 16575835). This variant is not present in population databases (gnomAD no frequency). This variant has not been reported in the literature in individuals affected with POMT1-related conditions. For these reasons, this variant has been classified as Pathogenic.

Literature cited by the submitters: PubMed 12369018; PubMed 15637732; PubMed 16575835.

NM_001077365.2(POMT1):c.1322_1323del (p.Leu440_Ser441insTer)

Gene: POMT1 (protein O-mannosyltransferase 1; plus strand). Cytogenetic location: 9q34.13.
Variant type: Deletion.
Coding change: c.1322_1323del on transcript NM_001077365.2 (MANE Select); coding-DNA positions 1322 to 1323, 2 bases deleted (CA; older notation c.1322_1323delCA).
Protein change: p.Leu440_Ser441insTer.
Molecular consequence: nonsense. On other transcripts: non-coding transcript variant (10).
Genome position (GRCh38, 1-based): chr9:131,518,494-131,518,495, CA deleted. VCF-style (leftmost placement, unchanged base first): chr9-131518493-TCA-T. GRCh37 (hg19) VCF-style: chr9-134393880-TCA-T.
Other names: c.1160_1161del, p.Leu386_Ser387insTer (NM_001077366.2, NM_001353194.2); c.1322_1323del, p.Leu440_Ser441insTer (NM_001136113.2, NM_001374690.1); c.971_972del, p.Leu323_Ser324insTer (NM_001136114.2, NM_001353195.2, NM_001374691.1 and 2 more transcripts); c.1388_1389del, p.Leu462_Ser463insTer (NM_001353193.2, NM_007171.4); c.1232_1233del, p.Leu410_Ser411insTer (NM_001353196.2); c.1226_1227del, p.Leu408_Ser409insTer (NM_001353197.2, NM_001353198.2); c.1037_1038del, p.Leu345_Ser346insTer (NM_001353199.2); c.866_867del, p.Leu288_Ser289insTer (NM_001353200.2); and 3 more.
Identifiers: ClinVar variation 3757099 (VCV003757099.2).
Genomic context (GRCh38, chr9:131,518,493, plus strand): 5'-GTCTTTTTGCAGGAAATTGTGAACAGAGGATCTGACACAGACGTCTGGAAGACCATCCTC[TCA>T]GAGGTCCGCTTTGTGCACGTGAACACTTCCGCTGTCTTAAAGGTAAGGACACTGTCCGTG-3'